The following is an entry in ClinVar:

NM_003124.5(SPR):c.197T>A (p.Val66Glu)

Genes: SPR (sepiapterin reductase; plus strand), LOC129934069 (ATAC-STARR-seq lymphoblastoid silent region 11626; plus strand). Cytogenetic location: 2p13.2.
Variant type: single nucleotide variant.
Coding change: c.197T>A on transcript NM_003124.5 (MANE Select); coding-DNA position 197, T replaced by A.
Protein change: p.Val66Glu; replaces valine 66 with glutamic acid.
Molecular consequence: missense variant.
Genome position (GRCh38, 1-based): chr2:72,887,629, T>A. VCF-style: chr2-72887629-T-A. GRCh37 (hg19) VCF-style: chr2-73114758-T-A.
Other names: short protein forms V66E.
Identifiers: ClinVar variation 2194495 (VCV002194495.4), dbSNP rs1559048050, ClinGen allele CA347230704.

ClinVar aggregate classification (germline): Uncertain significance (1 of 4 stars; one submission).

Conditions:
Dystonic disorder. Also called: Dystonia. Identifiers: MedGen C0013421, MONDO:0003441, HP:0001332.

gnomAD v4.1: 2 of 1,435,524 alleles (0.00014%); highest among the groups gnomAD compares: Middle Eastern, 0.025%; no homozygotes.

Submission:

Labcorp Genetics (formerly Invitae), Labcorp
Classification: Uncertain significance for Dystonic disorder. Last evaluated: 2022-07-08. Review status: criteria provided, single submitter. Criteria: Invitae Variant Classification Sherloc (09022015). Collection method: clinical testing. Allele origin: germline.
Comment: In summary, the available evidence is currently insufficient to determine the role of this variant in disease. Therefore, it has been classified as a Variant of Uncertain Significance. This variant has not been reported in the literature in individuals affected with SPR-related conditions. Algorithms developed to predict the effect of missense changes on protein structure and function are either unavailable or do not agree on the potential impact of this missense change (SIFT: "Deleterious"; PolyPhen-2: "Possibly Damaging"; Align-GVGD: "Class C15"). This variant is not present in population databases (gnomAD no frequency). This sequence change replaces valine, which is neutral and non-polar, with glutamic acid, which is acidic and polar, at codon 66 of the SPR protein (p.Val66Glu).